The following is an entry in ClinVar:

NM_014370.4(SRPK3):c.301C>T (p.Arg101Cys)

Gene: SRPK3 (SRSF protein kinase 3; plus strand). Cytogenetic location: Xq28.
Variant type: single nucleotide variant.
Coding change: c.301C>T on transcript NM_014370.4 (MANE Select); coding-DNA position 301, C replaced by T.
Protein change: p.Arg101Cys; replaces arginine 101 with cysteine.
Molecular consequence: missense variant.
Genome position (GRCh38, 1-based): chrX:153,781,744, C>T. VCF-style: chrX-153781744-C-T. GRCh37 (hg19) VCF-style: chrX-153047199-C-T.
Other names: NC_000023.10:g.153047199C>T; c.301C>T, p.Arg101Cys (NM_001170760.2, NM_001170761.2); short protein forms R101C.
Identifiers: ClinVar variation 2349686 (VCV002349686.28), dbSNP rs55910507, ClinGen allele CA10552187.

ClinVar aggregate classification (germline): Conflicting classifications of pathogenicity. Review status: criteria provided, conflicting classifications (1 of 4 stars). 2 submissions from 2 submitters: Uncertain significance (1); Likely benign (1). Last evaluated 2024-05-02.

Allele frequency attached by ClinVar (database versions not stated): gnomAD exomes 0.00007; ExAC 0.00028; 1000 Genomes Project 30x 0.00042; gnomAD 0.00042; TOPMed 0.00046; ESP Exome Variant Server 0.00047; 1000 Genomes Project 0.00053.
gnomAD v4.1: 128 of 1,210,366 alleles (0.011%); highest among the groups gnomAD compares: African/African-American, 0.19%; no homozygotes.

Submissions (5):

Ambry Genetics
Classification: Uncertain significance. Last evaluated: 2024-05-02. Review status: criteria provided, single submitter. Criteria: Ambry Variant Classification Scheme 2023. Collection method: clinical testing. Allele origin: germline.

CeGaT Center for Human Genetics Tuebingen
Classification: Likely benign. Last evaluated: 2023-04-01. Review status: criteria provided, single submitter. Criteria: CeGaT Center For Human Genetics Tuebingen Variant Classification Criteria Version 2. Collection method: clinical testing. Allele origin: germline. Affected: yes. Observed: 1 variant allele.
Comment: SRPK3: BS2

Dr. Peter K. Rogan Lab, Western University
No classification provided (evidence only). Condition: Familial cancer of breast. Review status: no classification provided. Collection method: in vitro. Allele origin: not applicable. Functional consequence: retained intron. Not counted in ClinVar's aggregate classification.

Dr. Peter K. Rogan Lab, Western University
No classification provided (evidence only). Condition: Uterine corpus endometrial carcinoma. Review status: no classification provided. Collection method: in vitro. Allele origin: not applicable. Functional consequence: retained intron. Not counted in ClinVar's aggregate classification.

Dr. Peter K. Rogan Lab, Western University
No classification provided (evidence only). Condition: Uterine corpus endometrial carcinoma. Review status: no classification provided. Collection method: in vitro. Allele origin: not applicable. Functional consequence: retained intron. Not counted in ClinVar's aggregate classification.